The following is an entry in ClinVar:

ClinVar aggregate classification (germline): Uncertain significance (1 of 4 stars; one submission).

Conditions:
FRONTOTEMPORAL LOBAR DEGENERATION WITH TDP43 INCLUSIONS, TARDBP-RELATED. Also called: Frontotemporal lobar degeneration, TARDBP-related. Identifiers: MedGen C3150169, OMIM 612069.
Amyotrophic lateral sclerosis type 10 (ALS10). Also called: AMYOTROPHIC LATERAL SCLEROSIS 10 WITHOUT FRONTOTEMPORAL DEMENTIA AND WITH TDP43 INCLUSIONS; AMYOTROPHIC LATERAL SCLEROSIS 10 WITH OR WITHOUT FRONTOTEMPORAL DEMENTIA AND WITH TDP43 INCLUSIONS; AMYOTROPHIC LATERAL SCLEROSIS 10 WITH OR WITHOUT FRONTOTEMPORAL DEMENTIA; Amyotrophic lateral sclerosis 10, with or without FTD; TARDBP-Related Amyotrophic Lateral Sclerosis-Frontotemporal Dementia. Identifiers: Orphanet 275872, Orphanet 803, MedGen C2677565, MONDO:0012790, OMIM 612069.

gnomAD v4.1: 1 of 1,614,184 alleles (0.000062%); highest among the groups gnomAD compares: Non-Finnish European, 0.000085%; no homozygotes.

Submission:

Labcorp Genetics (formerly Invitae), Labcorp
Classification: Uncertain significance for Amyotrophic lateral sclerosis type 10; FRONTOTEMPORAL LOBAR DEGENERATION WITH TDP43 INCLUSIONS, TARDBP-RELATED. Last evaluated: 2025-02-25. Review status: criteria provided, single submitter. Criteria: Invitae Variant Classification Sherloc (09022015). Collection method: clinical testing. Allele origin: germline.
Comment: This sequence change replaces asparagine, which is neutral and polar, with threonine, which is neutral and polar, at codon 70 of the TARDBP protein (p.Asn70Thr). This variant is present in population databases (no rsID available, gnomAD 0.0009%). This variant has not been reported in the literature in individuals affected with TARDBP-related conditions. Invitae Evidence Modeling of protein sequence and biophysical properties (such as structural, functional, and spatial information, amino acid conservation, physicochemical variation, residue mobility, and thermodynamic stability) indicates that this missense variant is not expected to disrupt TARDBP protein function with a negative predictive value of 80%. In summary, the available evidence is currently insufficient to determine the role of this variant in disease. Therefore, it has been classified as a Variant of Uncertain Significance.

NM_007375.4(TARDBP):c.209A>C (p.Asn70Thr)

Gene: TARDBP (TAR DNA binding protein; plus strand). Cytogenetic location: 1p36.22.
Variant type: single nucleotide variant.
Coding change: c.209A>C on transcript NM_007375.4 (MANE Select); coding-DNA position 209, A replaced by C.
Protein change: p.Asn70Thr; replaces asparagine 70 with threonine.
Molecular consequence: missense variant.
Genome position (GRCh38, 1-based): chr1:11,013,936, A>C. VCF-style: chr1-11013936-A-C. GRCh37 (hg19) VCF-style: chr1-11073993-A-C.
Other names: short protein forms N70T.
Identifiers: ClinVar variation 4793084 (VCV004793084.1).